The following is an entry in ClinVar:

NM_024529.5(CDC73):c.69C>G (p.Asp23Glu)

Gene: CDC73 (cell division cycle 73; plus strand). Cytogenetic location: 1q31.2.
Variant type: single nucleotide variant.
Coding change: c.69C>G on transcript NM_024529.5 (MANE Select); coding-DNA position 69, C replaced by G.
Protein change: p.Asp23Glu; replaces aspartic acid 23 with glutamic acid.
Molecular consequence: missense variant.
Genome position (GRCh38, 1-based): chr1:193,122,269, C>G. VCF-style: chr1-193122269-C-G. GRCh37 (hg19) VCF-style: chr1-193091399-C-G.
Other names: short protein forms D23E.
Identifiers: ClinVar variation 1698842 (VCV001698842.4), dbSNP rs1675465120, ClinGen allele CA343972874.

ClinVar aggregate classification (germline): Uncertain significance. Review status: criteria provided, multiple submitters, no conflicts (2 of 4 stars). 2 submissions from 2 submitters: Uncertain significance (2). Last evaluated 2024-08-19.

Conditions:
Hereditary cancer-predisposing syndrome. Also called: Tumor predisposition; Hereditary neoplastic syndrome; Neoplastic Syndromes, Hereditary; Hereditary Cancer Syndrome. Identifiers: Orphanet 140162, MedGen C0027672, MeSH D009386, MONDO:0015356.
Hyperparathyroidism 1 (HRPT1). Also called: HYPERPARATHYROIDISM, FAMILIAL ISOLATED PRIMARY. Identifiers: Orphanet 99879, MedGen C1840402, MONDO:0007767, OMIM 145000.

Submissions (2):

Ambry Genetics
Classification: Uncertain significance for Hereditary cancer-predisposing syndrome. Last evaluated: 2024-08-19. Review status: criteria provided, single submitter. Criteria: Ambry Variant Classification Scheme 2023. Collection method: clinical testing. Allele origin: germline.
Comment: The p.D23E variant (also known as c.69C>G), located in coding exon 1 of the CDC73 gene, results from a C to G substitution at nucleotide position 69. The aspartic acid at codon 23 is replaced by glutamic acid, an amino acid with highly similar properties. This amino acid position is conserved. In addition, this alteration is predicted to be tolerated by in silico analysis. Based on the available evidence, the clinical significance of this variant remains unclear.

Genetics and Molecular Pathology, SA Pathology
Classification: Uncertain significance for Hyperparathyroidism 1. Last evaluated: 2021-05-25. Review status: criteria provided, single submitter. Criteria: ACMG Guidelines, 2015. Collection method: clinical testing. Allele origin: germline. Inheritance: Autosomal dominant inheritance. Affected: yes.